The following is an entry in ClinVar:

ClinVar aggregate classification (germline): Pathogenic/Likely pathogenic. Review status: criteria provided, multiple submitters, no conflicts (2 of 4 stars). 3 submissions from 3 submitters: Pathogenic (1); Likely pathogenic (2). Last evaluated 2025-12-19.

Conditions:
DNAH11-related disorders.
Primary ciliary dyskinesia. Also called: Ciliary dyskinesia. Identifiers: Orphanet 244, MedGen C0008780, MONDO:0016575, HP:0012265.

Submissions (3):

Clinical Genetics Laboratory, Skane University Hospital Lund
Classification: Likely pathogenic for Primary ciliary dyskinesia. Last evaluated: 2025-12-19. Review status: criteria provided, single submitter. Criteria: ACMG Guidelines, 2015. Collection method: clinical testing. Allele origin: germline. Affected: yes.
Comment: ACMG criteria used: PVS1, PM2

Labcorp Genetics (formerly Invitae), Labcorp
Classification: Pathogenic for Primary ciliary dyskinesia. Last evaluated: 2023-01-18. Review status: criteria provided, single submitter. Criteria: Invitae Variant Classification Sherloc (09022015). Collection method: clinical testing. Allele origin: germline.
Comment: This variant has not been reported in the literature in individuals affected with DNAH11-related conditions. For these reasons, this variant has been classified as Pathogenic. This variant is present in population databases (rs778733267, gnomAD 0.002%). This sequence change creates a premature translational stop signal (p.Ile1784Hisfs*16) in the DNAH11 gene. It is expected to result in an absent or disrupted protein product. Loss-of-function variants in DNAH11 are known to be pathogenic (PMID: 18022865, 20513915, 22184204).

Blueprint Genetics
Classification: Likely pathogenic for DNAH11-related disorders. Last evaluated: 2017-12-12. Review status: criteria provided, single submitter. Criteria: ACMG Guidelines, 2015. Collection method: clinical testing. Allele origin: germline. Affected: yes. Observed: 1 variant allele.

Literature cited by the submitters: PubMed 18022865 (cited by Labcorp Genetics (formerly Invitae), Labcorp); PubMed 20513915 (cited by Labcorp Genetics (formerly Invitae), Labcorp); PubMed 22184204 (cited by Labcorp Genetics (formerly Invitae), Labcorp).

NM_001277115.2(DNAH11):c.5349_5352del (p.Ile1784fs)

Gene: DNAH11 (dynein axonemal heavy chain 11; plus strand). Cytogenetic location: 7p15.3.
Variant type: Deletion.
Coding change: c.5349_5352del on transcript NM_001277115.2 (MANE Select); coding-DNA positions 5349 to 5352, 4 bases deleted (GATT; older notation c.5349_5352delGATT).
Protein change: p.Ile1784fs; shifts the reading frame from isoleucine 1784.
Molecular consequence: frameshift variant.
Genome position (GRCh38, 1-based): chr7:21,681,566-21,681,569, GATT deleted; deleting any 4 consecutive bases within chr7:21,681,565-21,681,569 gives the same sequence; the c. name uses the placement nearest the transcript's 3' end. VCF-style (leftmost placement, unchanged base first): chr7-21681564-CTGAT-C. GRCh37 (hg19) VCF-style: chr7-21721182-CTGAT-C.
Other names: c.5364_5367delGATT, p.Ile1789Hisfs (NM_003777.3); short protein forms I1784fs.
Identifiers: ClinVar variation 2752107 (VCV002752107.5), dbSNP rs778733267, ClinGen allele CA4180380.